The following is an entry in ClinVar:

NM_000352.6(ABCC8):c.3380A>C (p.Asp1127Ala)

Gene: ABCC8 (ATP binding cassette subfamily C member 8; minus strand). Cytogenetic location: 11p15.1.
Variant type: single nucleotide variant.
Coding change: c.3380A>C on transcript NM_000352.6 (MANE Select); coding-DNA position 3380, A replaced by C.
Protein change: p.Asp1127Ala; replaces aspartic acid 1127 with alanine.
Molecular consequence: missense variant. On other transcripts: non-coding transcript variant (1).
Genome position (GRCh38, 1-based): chr11:17,405,513, T>G on the plus strand (A>C on the coding strand, the complement: ABCC8 is on the minus strand). VCF-style: chr11-17405513-T-G. GRCh37 (hg19) VCF-style: chr11-17427060-T-G.
Other names: c.3383A>C, p.Asp1128Ala (NM_001287174.3); c.3446A>C, p.Asp1149Ala (NM_001351295.2); c.3380A>C, p.Asp1127Ala (NM_001351296.2); c.3377A>C, p.Asp1126Ala (NM_001351297.2); short protein forms D1126A, D1127A, D1128A, D1149A.
Identifiers: ClinVar variation 3360486 (VCV003360486.1).
Genomic context (GRCh38, chr11:17,405,513, plus strand): 5'-TGTCTCTGGAAGGGGGGATAGTGTGGCACGGTCCTCTGTACCTGGTCGATGGTGTTACAG[T>G]CAGATGAAAATCTGTTCAGGATGCTCCCAAGGGGCGTGGTCTCAAAAAACCTAAGAGGCA-3'
Protein context (NP_000343.2, residues 1117-1137): LGSILNRFSS[Asp1127Ala]CNTIDQHIPS

ClinVar aggregate classification (germline): Uncertain significance (1 of 4 stars; one submission).

gnomAD v4.1: 5 of 1,614,230 alleles (0.00031%); highest among the groups gnomAD compares: Non-Finnish European, 0.00042%; no homozygotes.

Submission:

GeneDx
Classification: Uncertain significance. Last evaluated: 2023-06-26. Review status: criteria provided, single submitter. Criteria: GeneDx Variant Classification Process June 2021. Collection method: clinical testing. Allele origin: germline. Affected: yes.
Comment: Not observed at significant frequency in large population cohorts (gnomAD); In silico analysis supports that this missense variant has a deleterious effect on protein structure/function; Has not been previously published as pathogenic or benign to our knowledge